The following is an entry in ClinVar:

NM_206933.4(USH2A):c.13346C>T (p.Ser4449Phe)

Gene: USH2A (usherin; minus strand). Cytogenetic location: 1q41.
Variant type: single nucleotide variant.
Coding change: c.13346C>T on transcript NM_206933.4 (MANE Select); coding-DNA position 13346, C replaced by T.
Protein change: p.Ser4449Phe; replaces serine 4449 with phenylalanine.
Molecular consequence: missense variant.
Genome position (GRCh38, 1-based): chr1:215,674,565, G>A on the plus strand (C>T on the coding strand, the complement: USH2A is on the minus strand). VCF-style: chr1-215674565-G-A. GRCh37 (hg19) VCF-style: chr1-215847907-G-A.
Other names: short protein forms S4449F.
Identifiers: ClinVar variation 2174591 (VCV002174591.1), dbSNP rs1378172593, ClinGen allele CA344845609.

ClinVar aggregate classification (germline): Uncertain significance (1 of 4 stars; one submission).

Allele frequency attached by ClinVar (database versions not stated): gnomAD exomes below 0.00001; TOPMed 0.00002.
gnomAD v4.1: 1 of 1,614,016 alleles (0.000062%); highest among the groups gnomAD compares: Non-Finnish European, 0.000085%; no homozygotes.

Submission:

Labcorp Genetics (formerly Invitae), Labcorp
Classification: Uncertain significance. Last evaluated: 2022-10-28. Review status: criteria provided, single submitter. Criteria: Invitae Variant Classification Sherloc (09022015). Collection method: clinical testing. Allele origin: germline.
Comment: This sequence change replaces serine, which is neutral and polar, with phenylalanine, which is neutral and non-polar, at codon 4449 of the USH2A protein (p.Ser4449Phe). This variant is not present in population databases (gnomAD no frequency). This variant has not been reported in the literature in individuals affected with USH2A-related conditions. Advanced modeling of protein sequence and biophysical properties (such as structural, functional, and spatial information, amino acid conservation, physicochemical variation, residue mobility, and thermodynamic stability) performed at Invitae indicates that this missense variant is not expected to disrupt USH2A protein function. In summary, the available evidence is currently insufficient to determine the role of this variant in disease. Therefore, it has been classified as a Variant of Uncertain Significance.